The following is an entry in ClinVar:

NM_015450.3(POT1):c.1823A>G (p.Lys608Arg)

Gene: POT1 (protection of telomeres 1; minus strand). Cytogenetic location: 7q31.33.
Variant type: single nucleotide variant.
Coding change: c.1823A>G on transcript NM_015450.3 (MANE Select); coding-DNA position 1823, A replaced by G.
Protein change: p.Lys608Arg; replaces lysine 608 with arginine.
Molecular consequence: missense variant. On other transcripts: non-coding transcript variant (3).
Genome position (GRCh38, 1-based): chr7:124,824,044, T>C on the plus strand (A>G on the coding strand, the complement: POT1 is on the minus strand). VCF-style: chr7-124824044-T-C. GRCh37 (hg19) VCF-style: chr7-124464098-T-C.
Other names: c.1430A>G, p.Lys477Arg (NM_001042594.2); short protein forms K608R, K477R.
Identifiers: ClinVar variation 2585762 (VCV002585762.2), dbSNP rs2485333178, ClinGen allele CA369061229.

ClinVar aggregate classification (germline): Uncertain significance (1 of 4 stars; one submission).

Conditions:
Hereditary cancer-predisposing syndrome. Also called: Hereditary neoplastic syndrome; Tumor predisposition; Hereditary Cancer Syndrome; Neoplastic Syndromes, Hereditary. Identifiers: Orphanet 140162, MedGen C0027672, MeSH D009386, MONDO:0015356.

gnomAD v4.1: 1 of 1,607,872 alleles (0.000062%); highest among the groups gnomAD compares: Non-Finnish European, 0.000085%; no homozygotes.

Submission:

Ambry Genetics
Classification: Uncertain significance for Hereditary cancer-predisposing syndrome. Last evaluated: 2023-07-26. Review status: criteria provided, single submitter. Criteria: Ambry Variant Classification Scheme 2023. Collection method: clinical testing. Allele origin: germline.
Comment: The p.K608R variant (also known as c.1823A>G), located in coding exon 15 of the POT1 gene, results from an A to G substitution at nucleotide position 1823. The lysine at codon 608 is replaced by arginine, an amino acid with highly similar properties. This amino acid position is conserved. In addition, this alteration is predicted to be tolerated by in silico analysis. Since supporting evidence is limited at this time, the clinical significance of this alteration remains unclear.